The following is an entry in ClinVar:

NM_001111125.3(IQSEC2):c.991G>A (p.Asp331Asn)

Gene: IQSEC2 (IQ motif and Sec7 domain ArfGEF 2; minus strand). Cytogenetic location: Xp11.22.
Variant type: single nucleotide variant.
Coding change: c.991G>A on transcript NM_001111125.3 (MANE Select); coding-DNA position 991, G replaced by A.
Protein change: p.Asp331Asn; replaces aspartic acid 331 with asparagine.
Molecular consequence: missense variant.
Genome position (GRCh38, 1-based): chrX:53,255,808, C>T on the plus strand (G>A on the coding strand, the complement: IQSEC2 is on the minus strand). VCF-style: chrX-53255808-C-T. GRCh37 (hg19) VCF-style: chrX-53284990-C-T.
Other names: c.376G>A, p.Asp126Asn (NM_015075.2); short protein forms D331N, D126N.
Identifiers: ClinVar variation 1360624 (VCV001360624.8), dbSNP rs1556864973, ClinGen allele CA413170997.

ClinVar aggregate classification (germline): Uncertain significance (1 of 4 stars; one submission).

Conditions:
Intellectual developmental disorder, X-linked 1. Also called: Atkin Flaitz Patil Smith syndrome; Intellectual disability, X-linked 1; MENTAL RETARDATION, X-LINKED 18; MENTAL RETARDATION, X-LINKED 78. Identifiers: Orphanet 777, MedGen C2931498, MONDO:0010656, OMIM 309530.

Allele frequency attached by ClinVar (database versions not stated): gnomAD exomes 0.00001.
gnomAD v4.1: 3 of 1,211,954 alleles (0.00025%); highest among the groups gnomAD compares: East Asian, 0.0059%; no homozygotes.

Submission:

Labcorp Genetics (formerly Invitae), Labcorp
Classification: Uncertain significance for Intellectual developmental disorder, X-linked 1. Last evaluated: 2022-07-26. Review status: criteria provided, single submitter. Criteria: Invitae Variant Classification Sherloc (09022015). Collection method: clinical testing. Allele origin: germline.
Comment: In summary, the available evidence is currently insufficient to determine the role of this variant in disease. Therefore, it has been classified as a Variant of Uncertain Significance. Advanced modeling of protein sequence and biophysical properties (such as structural, functional, and spatial information, amino acid conservation, physicochemical variation, residue mobility, and thermodynamic stability) performed at Invitae indicates that this missense variant is expected to disrupt IQSEC2 protein function. ClinVar contains an entry for this variant (Variation ID: 1360624). This variant has not been reported in the literature in individuals affected with IQSEC2-related conditions. This variant is present in population databases (no rsID available, gnomAD 0.008%), including at least one homozygous and/or hemizygous individual. This sequence change replaces aspartic acid, which is acidic and polar, with asparagine, which is neutral and polar, at codon 331 of the IQSEC2 protein (p.Asp331Asn).